The following is an entry in ClinVar:

NM_001034850.3(RETREG1):c.459-25145C>T

Gene: RETREG1 (reticulophagy regulator 1; minus strand). Cytogenetic location: 5p15.1.
Variant type: single nucleotide variant.
Coding change: c.459-25145C>T on transcript NM_001034850.3 (MANE Select); 25145 bases into the intron before coding-DNA position 459, C replaced by T.
Molecular consequence: intron variant. On other transcripts: 5 prime UTR variant (1).
Genome position (GRCh38, 1-based): chr5:16,508,617, G>A on the plus strand (C>T on the coding strand, the complement: RETREG1 is on the minus strand). VCF-style: chr5-16508617-G-A. GRCh37 (hg19) VCF-style: chr5-16508726-G-A.
Other names: c.-5C>T (NM_019000.5).
Identifiers: ClinVar variation 4993541 (VCV004993541.1).
Genomic context (GRCh38, chr5:16,508,617, plus strand): 5'-GTACGTATATATCACAATTACCTTTTGCCTGGTCCAAAGTCTTCACCTTCAGGCATTTCT[G>A]CCCTTTAAAAATAATAACAGTGGCAAAGGCTGCAGCACCTGCTAACCACGGCTAATGTGG-3'

ClinVar aggregate classification (germline): Uncertain significance (1 of 4 stars; one submission).

Conditions:
RETREG1-related disorder. Also called: RETREG1-related condition.

Submission:

PreventionGenetics, part of Exact Sciences
Classification: Uncertain significance for RETREG1-related condition. Last evaluated: 2026-07-23. Review status: criteria provided, single submitter. Criteria: ACMG Guidelines, 2015. Collection method: clinical testing. Allele origin: germline.
Comment: The RETREG1 c.459-25145C>T variant is predicted to interfere with splicing. In an alternate transcript (NM_019000), this variant is c.-5C>T in the pre-coding region. This variant is predicted to alter splicing based on available splicing prediction programs (SpliceAI, Jaganathan et al. 2019. PubMed ID: 30661751). However, the use of computer prediction programs is not equivalent to functional evidence. To our knowledge, this variant has not been reported in the literature or in a large population database (gnomAD), indicating this variant is rare. At this time, the clinical significance of this variant is uncertain due to the absence of conclusive functional and genetic evidence.